The following is an entry in ClinVar:

ClinVar aggregate classification (germline): Conflicting classifications of pathogenicity. Review status: criteria provided, conflicting classifications (1 of 4 stars). 4 submissions from 4 submitters: Uncertain significance (2); Likely benign (2). Last evaluated 2026-07-30.

Conditions:
Hereditary cancer-predisposing syndrome. Also called: Hereditary Cancer Syndrome; Tumor predisposition; Hereditary neoplastic syndrome; Neoplastic Syndromes, Hereditary. Identifiers: Orphanet 140162, MedGen C0027672, MeSH D009386, MONDO:0015356.
Hereditary breast ovarian cancer syndrome. Also called: Breast and ovarian cancer; Hereditary breast and ovarian cancer syndrome; BRCA1- and BRCA2-Associated Hereditary Breast and Ovarian Cancer; Hereditary breast and ovarian cancer syndrome (HBOC); Hereditary breast and/or ovarian cancer syndrome; Hereditary breast and ovarian cancer. Identifiers: Orphanet 145, MedGen C0677776, MeSH D061325, MONDO:0003582. Disease mechanism: loss of function.
Breast-ovarian cancer, familial, susceptibility to, 1 (BROVCA1). Also called: OVARIAN CANCER, SUSCEPTIBILITY TO; BRCA1 Hereditary Breast and Ovarian Cancer. Identifiers: Orphanet 145, MedGen C2676676, MONDO:0011450, OMIM 604370. Disease mechanism: loss of function.

Allele frequency attached by ClinVar (database versions not stated): gnomAD exomes below 0.00001.
gnomAD v4.1: 3 of 1,613,468 alleles (0.00019%); highest among the groups gnomAD compares: East Asian, 0.0022%; no homozygotes.

Submissions (4):

Myriad Genetics, Inc.
Classification: Likely benign for Breast-ovarian cancer, familial, susceptibility to, 1. Last evaluated: 2026-07-30. Review status: criteria provided, single submitter. Criteria: Myriad Autosomal Dominant, Autosomal Recessive and X-Linked Classification Criteria (2023). Collection method: clinical testing. Allele origin: unknown.
Comment: This variant is considered likely benign. This variant been observed in trans with a known pathogenic variant in one or more individuals. Compound heterozygosity for pathogenic variants in this gene is generally assumed to result in embryonic lethality.

Ambry Genetics
Classification: Uncertain significance for Hereditary cancer-predisposing syndrome. Last evaluated: 2023-09-01. Review status: criteria provided, single submitter. Criteria: Ambry Variant Classification Scheme 2023. Collection method: clinical testing. Allele origin: germline.
Comment: The p.A794V variant (also known as c.2381C>T), located in coding exon 9 of the BRCA1 gene, results from a C to T substitution at nucleotide position 2381. The alanine at codon 794 is replaced by valine, an amino acid with similar properties. This amino acid position is not well conserved in available vertebrate species. In addition, the in silico prediction for this alteration is inconclusive. Since supporting evidence is limited at this time, the clinical significance of this alteration remains unclear.

Labcorp Genetics (formerly Invitae), Labcorp
Classification: Uncertain significance for Hereditary breast ovarian cancer syndrome. Last evaluated: 2023-07-10. Review status: criteria provided, single submitter. Criteria: Invitae Variant Classification Sherloc (09022015). Collection method: clinical testing. Allele origin: germline.
Comment: This variant is not present in population databases (gnomAD no frequency). This sequence change replaces alanine, which is neutral and non-polar, with valine, which is neutral and non-polar, at codon 794 of the BRCA1 protein (p.Ala794Val). This variant has not been reported in the literature in individuals affected with BRCA1-related conditions. In summary, the available evidence is currently insufficient to determine the role of this variant in disease. Therefore, it has been classified as a Variant of Uncertain Significance. RNA analysis performed to evaluate the impact of this missense change on mRNA splicing indicates it does not significantly alter splicing (Invitae). Advanced modeling of protein sequence and biophysical properties (such as structural, functional, and spatial information, amino acid conservation, physicochemical variation, residue mobility, and thermodynamic stability) performed at Invitae indicates that this missense variant is not expected to disrupt BRCA1 protein function. ClinVar contains an entry for this variant (Variation ID: 233404).

University of Washington Department of Laboratory Medicine, University of Washington
Classification: Likely benign for Hereditary cancer-predisposing syndrome. Last evaluated: 2023-03-23. Review status: criteria provided, single submitter. Criteria: Dines et al. (Genet Med. 2020). Collection method: curation. Allele origin: germline.
Comment: Missense variant in a coldspot region where missense variants are very unlikely to be pathogenic (PMID:31911673).

BRCA1 coldspot (exon 11 using historical exon numbering). Reclassification based on statistical prior probability

NM_007294.4(BRCA1):c.2381C>T (p.Ala794Val)

Gene: BRCA1 (BRCA1 DNA repair associated; minus strand). Cytogenetic location: 17q21.31.
Variant type: single nucleotide variant.
Coding change: c.2381C>T on transcript NM_007294.4 (MANE Select); coding-DNA position 2381, C replaced by T.
Protein change: p.Ala794Val; replaces alanine 794 with valine.
Molecular consequence: missense variant. On other transcripts: intron variant (137).
Genome position (GRCh38, 1-based): chr17:43,093,150, G>A on the plus strand (C>T on the coding strand, the complement: BRCA1 is on the minus strand). VCF-style: chr17-43093150-G-A. GRCh37 (hg19) VCF-style: chr17-41245167-G-A.
Other names: c.2258C>T, p.Ala753Val (NM_001407665.1, NM_001407666.1, NM_001407677.1 and 19 more transcripts); c.283+1594C>T (NM_001408512.1); c.2171C>T, p.Ala724Val (NM_001407887.1, NM_001407889.1, NM_001407910.1 and 13 more transcripts); c.406+1594C>T (NM_001408510.1); c.2168C>T, p.Ala723Val (NM_001407571.1, NM_001407894.1, NM_001407895.1 and 9 more transcripts); c.2381C>T, p.Ala794Val (NM_001407581.1, NM_001407582.1, NM_001407583.1 and 30 more transcripts); c.2378C>T, p.Ala793Val (NM_001407587.1, NM_001407590.1, NM_001407591.1 and 22 more transcripts); c.2255C>T, p.Ala752Val (NM_001407685.1, NM_001407940.1, NM_001407941.1 and 11 more transcripts); and 41 more; short protein forms A794V, A747V, A706V, A752V, A753V, A767V, A768V, A723V.
Identifiers: ClinVar variation 233404 (VCV000233404.18), dbSNP rs7502059, ClinGen allele CA10580620.
Genomic context (GRCh38, chr17:43,093,150, plus strand): 5'-AGTCCCTTGGGGTTTTCAAATGCTGCACACTGACTCACACATTTATTTGGTTCTGTTTTT[G>A]CCTTCCCTAGAGTGCTAACTTCCAGTAACGAGATACTTTCCTGAGTGCCATAATCAGTAC-3'
Protein context (NP_009225.1, residues 784-804): SLLEVSTLGK[Ala794Val]KTEPNKCVSQ